The following is an entry in ClinVar:

NM_002181.4(IHH):c.833T>C (p.Phe278Ser)

Gene: IHH (Indian hedgehog signaling molecule; minus strand). Cytogenetic location: 2q35.
Variant type: single nucleotide variant.
Coding change: c.833T>C on transcript NM_002181.4 (MANE Select); coding-DNA position 833, T replaced by C.
Protein change: p.Phe278Ser; replaces phenylalanine 278 with serine.
Molecular consequence: missense variant.
Genome position (GRCh38, 1-based): chr2:219,055,610, A>G on the plus strand (T>C on the coding strand, the complement: IHH is on the minus strand). VCF-style: chr2-219055610-A-G. GRCh37 (hg19) VCF-style: chr2-219920332-A-G.
Other names: short protein forms F278S.
Identifiers: ClinVar variation 3648531 (VCV003648531.2).

ClinVar aggregate classification (germline): Uncertain significance (1 of 4 stars; one submission).

Submission:

Labcorp Genetics (formerly Invitae), Labcorp
Classification: Uncertain significance. Last evaluated: 2025-11-10. Review status: criteria provided, single submitter. Criteria: Invitae Variant Classification Sherloc (09022015). Collection method: clinical testing. Allele origin: germline.
Comment: This sequence change replaces phenylalanine, which is neutral and non-polar, with serine, which is neutral and polar, at codon 278 of the IHH protein (p.Phe278Ser). This variant is not present in population databases (gnomAD no frequency). This variant has not been reported in the literature in individuals affected with IHH-related conditions. ClinVar contains an entry for this variant (Variation ID: 3648531). Invitae Evidence Modeling of protein sequence and biophysical properties (such as structural, functional, and spatial information, amino acid conservation, physicochemical variation, residue mobility, and thermodynamic stability) indicates that this missense variant is expected to disrupt IHH protein function with a positive predictive value of 80%. In summary, the available evidence is currently insufficient to determine the role of this variant in disease. Therefore, it has been classified as a Variant of Uncertain Significance.